The following is an entry in ClinVar:

ClinVar aggregate classification (germline): Uncertain significance (1 of 4 stars; one submission).

Conditions:
Hereditary cancer-predisposing syndrome. Also called: Neoplastic Syndromes, Hereditary; Tumor predisposition; Hereditary neoplastic syndrome; Hereditary Cancer Syndrome. Identifiers: Orphanet 140162, MedGen C0027672, MeSH D009386, MONDO:0015356.

Allele frequency attached by ClinVar (database versions not stated): gnomAD exomes below 0.00001.
gnomAD v4.1: 1 of 1,614,178 alleles (0.000062%); highest among the groups gnomAD compares: Non-Finnish European, 0.000085%; no homozygotes.

Submission:

Ambry Genetics
Classification: Uncertain significance for Hereditary cancer-predisposing syndrome. Last evaluated: 2019-12-02. Review status: criteria provided, single submitter. Criteria: Ambry Variant Classification Scheme 2023. Collection method: clinical testing. Allele origin: germline.
Comment: The p.N1118Y variant (also known as c.3352A>T), located in coding exon 20 of the DICER1 gene, results from an A to T substitution at nucleotide position 3352. The asparagine at codon 1118 is replaced by tyrosine, an amino acid with dissimilar properties. This amino acid position is not well conserved in available vertebrate species. In addition, this alteration is predicted to be tolerated by in silico analysis. Since supporting evidence is limited at this time, the clinical significance of this alteration remains unclear.

NM_177438.3(DICER1):c.3352A>T (p.Asn1118Tyr)

Gene: DICER1 (dicer 1, ribonuclease III; minus strand). Cytogenetic location: 14q32.13.
Variant type: single nucleotide variant.
Coding change: c.3352A>T on transcript NM_177438.3 (MANE Select); coding-DNA position 3352, A replaced by T.
Protein change: p.Asn1118Tyr; replaces asparagine 1118 with tyrosine.
Molecular consequence: missense variant.
Genome position (GRCh38, 1-based): chr14:95,104,044, T>A on the plus strand (A>T on the coding strand, the complement: DICER1 is on the minus strand). VCF-style: chr14-95104044-T-A. GRCh37 (hg19) VCF-style: chr14-95570381-T-A.
Other names: c.3352A>T, p.Asn1118Tyr (NM_001195573.1, NM_001271282.3, NM_001291628.2 and 1 more transcripts); short protein forms N1118Y.
Identifiers: ClinVar variation 823652 (VCV000823652.4), dbSNP rs1595367595, ClinGen allele CA390875791.
Genomic context (GRCh38, chr14:95,104,044, plus strand): 5'-TAGCACCTTGATGTGCAGCATTTTCAGGGACAATTGTGCTGTGCTTACAGTAATTATCAT[T>A]TTCAGCTGAAGAGGAGTTAGAAATTGAGATGAAAGATTTGCTGTCAATAGATTTTTTCCA-3'
Protein context (NP_803187.1, residues 1108-1128): ISISNSSSAE[Asn1118Tyr]DNYCKHSTIV